The following is an entry in ClinVar:

NM_001375883.1(GPR161):c.1231T>C (p.Tyr411His)

Gene: GPR161 (G protein-coupled receptor 161; minus strand). Cytogenetic location: 1q24.2.
Variant type: single nucleotide variant.
Coding change: c.1231T>C on transcript NM_001375883.1 (MANE Select); coding-DNA position 1231, T replaced by C.
Protein change: p.Tyr411His; replaces tyrosine 411 with histidine.
Molecular consequence: missense variant.
Genome position (GRCh38, 1-based): chr1:168,087,678, A>G on the plus strand (T>C on the coding strand, the complement: GPR161 is on the minus strand). VCF-style: chr1-168087678-A-G. GRCh37 (hg19) VCF-style: chr1-168056916-A-G.
Other names: c.1231T>C (NM_153832.1); c.1291T>C, p.Tyr431His (NM_001267609.1); c.1231T>C, p.Tyr411His (NM_001267610.2, NM_001349632.1, NM_001349633.1 and 5 more transcripts); c.1282T>C, p.Tyr428His (NM_001267611.1); c.835T>C, p.Tyr279His (NM_001267612.2, NM_001349635.1); c.997T>C, p.Tyr333His (NM_001267613.1); c.889T>C, p.Tyr297His (NM_001267614.1); short protein forms Y279H, Y297H, Y333H, Y411H, Y428H, Y431H.
Identifiers: ClinVar variation 1711121 (VCV001711121.5), dbSNP rs201461712, ClinGen allele CA1229493.
Genomic context (GRCh38, chr1:168,087,678, plus strand): 5'-CCGAGCTCCTTCTCTTGGGTGGGCAAGTGCAGTGAGAGGGAGGGTTGTCATCAGACGTGT[A>G]GTCCTCAAGCAGCATCATATCTGTCCCTAAAACAACGGGCAGATTGTGCATATGTAACTA-3'
Protein context (NP_001362812.1, residues 401-421): SGTDMMLLED[Tyr411His]TSDDNPPSHC

ClinVar aggregate classification (germline): Uncertain significance. Review status: criteria provided, multiple submitters, no conflicts (2 of 4 stars). 3 submissions from 3 submitters: Uncertain significance (3). Last evaluated 2024-04-03.

Conditions:
Medulloblastoma (MDB). Also called: Medulloblastoma, somatic; MEDULLOBLASTOMA PREDISPOSITION SYNDROME. Identifiers: Orphanet 616, MedGen C0025149, MeSH D008527, MONDO:0007959, OMIM 155255, HP:0002885.

Allele frequency attached by ClinVar (database versions not stated): gnomAD 0.00007; TOPMed 0.00009; gnomAD exomes 0.00019; ExAC 0.00052.
gnomAD v4.1: 290 of 1,613,854 alleles (0.018%); highest among the groups gnomAD compares: Non-Finnish European, 0.019%; no homozygotes.

Submissions (3):

Labcorp Genetics (formerly Invitae), Labcorp
Classification: Uncertain significance. Last evaluated: 2024-04-03. Review status: criteria provided, single submitter. Criteria: Invitae Variant Classification Sherloc (09022015). Collection method: clinical testing. Allele origin: germline.
Comment: This sequence change replaces tyrosine, which is neutral and polar, with histidine, which is basic and polar, at codon 431 of the GPR161 protein (p.Tyr431His). This variant is present in population databases (rs201461712, gnomAD 0.06%), and has an allele count higher than expected for a pathogenic variant. This variant has not been reported in the literature in individuals affected with GPR161-related conditions. ClinVar contains an entry for this variant (Variation ID: 1711121). Algorithms developed to predict the effect of missense changes on protein structure and function output the following: SIFT: "Not Available"; PolyPhen-2: "Benign"; Align-GVGD: "Not Available". The histidine amino acid residue is found in multiple mammalian species, which suggests that this missense change does not adversely affect protein function. In summary, the available evidence is currently insufficient to determine the role of this variant in disease. Therefore, it has been classified as a Variant of Uncertain Significance.

Ambry Genetics
Classification: Uncertain significance. Last evaluated: 2023-07-17. Review status: criteria provided, single submitter. Criteria: Ambry Variant Classification Scheme 2023. Collection method: clinical testing. Allele origin: germline.

St. Jude Molecular Pathology, St. Jude Children's Research Hospital
Classification: Uncertain significance for Medulloblastoma. Last evaluated: 2022-07-05. Review status: criteria provided, single submitter. Criteria: St. Jude Assertion Criteria 2020. Collection method: clinical testing. Allele origin: germline.
Comment: The GPR161 c.1231T>C (p.Tyr411His) missense change has an overall frequency of 0.034% in gnomAD v2.1.1. The in silico tool REVEL predicts a benign effect on protein function, but to our knowledge this prediction has not been confirmed by functional studies. To our knowledge, this variant has not been reported in individuals with a personal and/or family history of medulloblastoma. In summary, the evidence currently available is insufficient to determine the clinical significance of this variant. It has therefore been classified as of uncertain significance.